The following is an entry in ClinVar:

NM_144999.4(LRRC45):c.2001C>T (p.Ser667=)

Gene: LRRC45 (leucine rich repeat containing 45; plus strand). Cytogenetic location: 17q25.3.
Variant type: single nucleotide variant.
Coding change: c.2001C>T on transcript NM_144999.4 (MANE Select); coding-DNA position 2001, C replaced by T.
Protein change: p.Ser667=; no amino-acid change (serine 667 retained).
Molecular consequence: synonymous variant.
Genome position (GRCh38, 1-based): chr17:82,030,793, C>T. VCF-style: chr17-82030793-C-T. GRCh37 (hg19) VCF-style: chr17-79988669-C-T.
Identifiers: ClinVar variation 5002203 (VCV005002203.1).
Genomic context (GRCh38, chr17:82,030,793, plus strand): 5'-GAGCTTCCTGCAGAACGCCGTCCTGGCTTACGTGCAGGCGTCCCCCGTGAGGACCCTGAG[C>T]CCCCCAAAGTGAGACAGGCCGGGAGGACCCGGGCGCAGTAGGAGTGCATCAGGCGGCGCC-3'
Protein context (NP_659436.1, residues 657-670): YVQASPVRTL[Ser667=]PPK

ClinVar aggregate classification (germline): Likely benign (1 of 4 stars; one submission).

Conditions:
LRRC45-related disorder. Also called: LRRC45-related condition.

Submission:

PreventionGenetics, part of Exact Sciences
Classification: Likely benign for LRRC45-related condition. Last evaluated: 2025-06-26. Review status: criteria provided, single submitter. Criteria: ACMG Guidelines, 2015. Collection method: clinical testing. Allele origin: germline.
Comment: This variant is classified as likely benign based on ACMG/AMP sequence variant interpretation guidelines (Richards et al. 2015 PMID: 25741868, with internal and published modifications).